The following is an entry in ClinVar:

NM_000095.3(COMP):c.1985C>T (p.Ser662Phe)

Gene: COMP (cartilage oligomeric matrix protein; minus strand). Cytogenetic location: 19p13.11.
Variant type: single nucleotide variant.
Coding change: c.1985C>T on transcript NM_000095.3 (MANE Select); coding-DNA position 1985, C replaced by T.
Protein change: p.Ser662Phe; replaces serine 662 with phenylalanine.
Molecular consequence: missense variant.
Genome position (GRCh38, 1-based): chr19:18,784,293, G>A on the plus strand (C>T on the coding strand, the complement: COMP is on the minus strand). VCF-style: chr19-18784293-G-A. GRCh37 (hg19) VCF-style: chr19-18895103-G-A.
Other names: short protein forms S662F.
Identifiers: ClinVar variation 4807069 (VCV004807069.1).

ClinVar aggregate classification (germline): Uncertain significance (1 of 4 stars; one submission).

Submission:

Labcorp Genetics (formerly Invitae), Labcorp
Classification: Uncertain significance. Last evaluated: 2025-08-14. Review status: criteria provided, single submitter. Criteria: Invitae Variant Classification Sherloc (09022015). Collection method: clinical testing. Allele origin: germline.
Comment: This sequence change replaces serine, which is neutral and polar, with phenylalanine, which is neutral and non-polar, at codon 662 of the COMP protein (p.Ser662Phe). This variant is present in population databases (no rsID available, gnomAD 0.01%). This variant has not been reported in the literature in individuals affected with COMP-related conditions. Invitae Evidence Modeling of protein sequence and biophysical properties (such as structural, functional, and spatial information, amino acid conservation, physicochemical variation, residue mobility, and thermodynamic stability) indicates that this missense variant is not expected to disrupt COMP protein function with a negative predictive value of 80%. In summary, the available evidence is currently insufficient to determine the role of this variant in disease. Therefore, it has been classified as a Variant of Uncertain Significance.